The following is an entry in ClinVar:

ClinVar aggregate classification (germline): Benign/Likely benign. Review status: criteria provided, multiple submitters, no conflicts (2 of 4 stars). 2 submissions from 2 submitters: Benign (1); Likely benign (1). Last evaluated 2026-01-01.

Allele frequency attached by ClinVar (database versions not stated): gnomAD exomes 0.00036; ExAC 0.00051; gnomAD 0.00164 and 0.00173; TOPMed 0.00176; 1000 Genomes Project 0.00200; 1000 Genomes Project 30x 0.00203; ESP Exome Variant Server 0.00231.
gnomAD v4.1: 446 of 1,613,048 alleles (0.028%); highest among the groups gnomAD compares: African/African-American, 0.56%; 1 homozygote.

Submissions (2):

CeGaT Center for Human Genetics Tuebingen
Classification: Likely benign. Last evaluated: 2026-01-01. Review status: criteria provided, single submitter. Criteria: CeGaT Center For Human Genetics Tuebingen Variant Classification Criteria Version 2. Collection method: clinical testing. Allele origin: germline. Affected: yes. Observed: 1 variant allele.
Comment: SLC4A10: BP4, BP7

Labcorp Genetics (formerly Invitae), Labcorp
Classification: Benign. Last evaluated: 2018-04-20. Review status: criteria provided, single submitter. Criteria: Invitae Variant Classification Sherloc (09022015). Collection method: clinical testing. Allele origin: germline.

NM_001178015.2(SLC4A10):c.2226C>T (p.Thr742=)

Gene: SLC4A10 (solute carrier family 4 member 10; plus strand). Cytogenetic location: 2q24.2.
Variant type: single nucleotide variant.
Coding change: c.2226C>T on transcript NM_001178015.2 (MANE Select); coding-DNA position 2226, C replaced by T.
Protein change: p.Thr742=; no amino-acid change (threonine 742 retained).
Molecular consequence: synonymous variant.
Genome position (GRCh38, 1-based): chr2:161,947,688, C>T. VCF-style: chr2-161947688-C-T. GRCh37 (hg19) VCF-style: chr2-162804198-C-T.
Other names: c.2169C>T, p.Thr723= (NM_001178016.2, NM_001354445.2); c.2226C>T, p.Thr742= (NM_001354440.2); c.2259C>T, p.Thr753= (NM_001354441.2, NM_001354442.2); c.2172C>T, p.Thr724= (NM_001354443.2, NM_001354447.2); c.2223C>T, p.Thr741= (NM_001354444.2); c.2136C>T, p.Thr712= (NM_001354446.2, NM_001354450.2, NM_022058.4); c.2166C>T, p.Thr722= (NM_001354448.2); c.2133C>T, p.Thr711= (NM_001354449.2, NM_001354451.2); and 3 more.
Identifiers: ClinVar variation 791118 (VCV000791118.7), dbSNP rs141829716, ClinGen allele CA1931613.